The following is an entry in ClinVar:

NM_001367624.2(ZNF469):c.3607C>T (p.Leu1203=)

Gene: ZNF469 (zinc finger protein 469; plus strand). Cytogenetic location: 16q24.2.
Variant type: single nucleotide variant.
Coding change: c.3607C>T on transcript NM_001367624.2 (MANE Select); coding-DNA position 3607, C replaced by T.
Protein change: p.Leu1203=; no amino-acid change (leucine 1203 retained).
Molecular consequence: synonymous variant.
Genome position (GRCh38, 1-based): chr16:88,431,077, C>T. VCF-style: chr16-88431077-C-T. GRCh37 (hg19) VCF-style: chr16-88497485-C-T.
Other names: NM_001127464.1:c.3523C>T; p.Leu1203=.
Identifiers: ClinVar variation 1732288 (VCV001732288.8), dbSNP rs778085437, ClinGen allele CA8224875.

ClinVar aggregate classification (germline): Likely benign. Review status: criteria provided, multiple submitters, no conflicts (2 of 4 stars). 3 submissions from 3 submitters: Likely benign (3). Last evaluated 2026-02-02.

Conditions:
Cardiovascular phenotype. Identifiers: MedGen CN230736.

Allele frequency attached by ClinVar (database versions not stated): gnomAD exomes 0.00001; TOPMed 0.00003; gnomAD 0.00004; ExAC 0.00006.
gnomAD v4.1: 16 of 1,549,900 alleles (0.001%); highest among the groups gnomAD compares: African/African-American, 0.0027%; no homozygotes.

Submissions (3):

Labcorp Genetics (formerly Invitae), Labcorp
Classification: Likely benign. Last evaluated: 2026-02-02. Review status: criteria provided, single submitter. Criteria: Invitae Variant Classification Sherloc (09022015). Collection method: clinical testing. Allele origin: germline.

Mayo Clinic Laboratories, Mayo Clinic
Classification: Likely benign. Last evaluated: 2025-04-02. Review status: criteria provided, single submitter. Criteria: ACMG Guidelines, 2015. Collection method: clinical testing. Allele origin: germline. Observed: 1 variant allele.
Comment: BP4, BP7, PM2_supporting

Ambry Genetics
Classification: Likely benign for Cardiovascular phenotype. Last evaluated: 2020-10-22. Review status: criteria provided, single submitter. Criteria: Ambry Variant Classification Scheme 2023. Collection method: clinical testing. Allele origin: germline.